The following is an entry in ClinVar:

ClinVar aggregate classification (germline): Uncertain significance (1 of 4 stars; one submission).

Submission:

Labcorp Genetics (formerly Invitae), Labcorp
Classification: Uncertain significance. Last evaluated: 2022-02-11. Review status: criteria provided, single submitter. Criteria: Invitae Variant Classification Sherloc (09022015). Collection method: clinical testing. Allele origin: germline.
Comment: This variant occurs in a non-coding region of the EYS gene. It does not change the encoded amino acid sequence of the EYS protein. This variant is not present in population databases (gnomAD no frequency). This variant has not been reported in the literature in individuals affected with EYS-related conditions. Experimental studies and prediction algorithms are not available or were not evaluated, and the functional significance of this variant is currently unknown. In summary, the available evidence is currently insufficient to determine the role of this variant in disease. Therefore, it has been classified as a Variant of Uncertain Significance.

NM_001142800.2(EYS):c.-424del

Gene: EYS (eyes shut homolog; minus strand). Cytogenetic location: 6q12.
Variant type: Deletion.
Coding change: c.-424del on transcript NM_001142800.2 (MANE Select); 424 bases upstream of the start codon, one base deleted (C; older notation c.-424delC).
Molecular consequence: 5 prime UTR variant.
Genome position (GRCh38, 1-based): chr6:65,639,869, G deleted on the plus strand (C on the coding strand, the reverse complement: EYS is on the minus strand). VCF-style (leftmost placement, unchanged base first): chr6-65639868-TG-T. GRCh37 (hg19) VCF-style: chr6-66349761-TG-T.
Other names: c.-424del (NM_001142801.2, NM_001292009.2).
Identifiers: ClinVar variation 2174305 (VCV002174305.1), dbSNP rs2533385948, ClinGen allele CA2580075681.